The following is an entry in ClinVar:

ClinVar aggregate classification (germline): Uncertain significance (1 of 4 stars; one submission).

Conditions:
Leigh syndrome (NULS). Also called: Leigh's necrotizing encephalopathy; Leigh's disease; Leigh's syndrome; LEIGH SYNDROME, NUCLEAR; Leigh Syndrome (mtDNA deletion); Leigh Disease. Identifiers: Orphanet 506, MedGen C2931891, MONDO:0009723, OMIM 256000.

Submission:

Wong Mito Lab, Molecular and Human Genetics, Baylor College of Medicine
Classification: Uncertain significance for Leigh syndrome. Last evaluated: 2019-10-17. Review status: criteria provided, single submitter. Criteria: Modified ACMG Guidelines (Unpublished). Collection method: clinical testing. Allele origin: germline.
Comment: The NC_012920.1:m.14484T>G (YP_003024037.1:p.Met64Leu) variant in MTND6 gene is interpretated to be a Uncertain Significance variant based on the modified ACMG guidelines (unpublished). This variant meets the following evidence codes: PP7, BS4

NC_012920.1(MT-ND6):m.14484T>G

Gene: MT-ND6 (mitochondrially encoded NADH dehydrogenase 6; minus strand).
Variant type: single nucleotide variant.
Genome position: chrM-14484-T-G.
Identifiers: ClinVar variation 693729 (VCV000693729.1), dbSNP rs199476104, ClinGen allele CA414822695.